The following is an entry in ClinVar:

ClinVar aggregate classification (germline): Likely benign. Review status: criteria provided, multiple submitters, no conflicts (2 of 4 stars). 3 submissions from 3 submitters: Likely benign (3). Last evaluated 2026-09-10.

Conditions:
PRPF8-related disorder. Also called: PRPF8-related condition.

Allele frequency attached by ClinVar (database versions not stated): gnomAD 0.00002 and 0.00003; TOPMed 0.00002; ExAC 0.00005; gnomAD exomes 0.00005; 1000 Genomes Project 30x 0.00031; 1000 Genomes Project 0.00040.
gnomAD v4.1: 43 of 1,613,920 alleles (0.0027%); highest among the groups gnomAD compares: East Asian, 0.0045%; no homozygotes.

Submissions (3):

PreventionGenetics, part of Exact Sciences
Classification: Likely benign for PRPF8-related condition. Last evaluated: 2026-09-10. Review status: criteria provided, single submitter. Criteria: ACMG Guidelines, 2015. Collection method: clinical testing. Allele origin: germline.
Comment: This variant is classified as likely benign based on ACMG/AMP sequence variant interpretation guidelines (Richards et al. 2015 PMID: 25741868, with internal and published modifications).

Labcorp Genetics (formerly Invitae), Labcorp
Classification: Likely benign. Last evaluated: 2025-01-30. Review status: criteria provided, single submitter. Criteria: Invitae Variant Classification Sherloc (09022015). Collection method: clinical testing. Allele origin: germline.

Blueprint Genetics
Classification: Likely benign. Last evaluated: 2024-10-28. Review status: criteria provided, single submitter. Criteria: ACMG Guidelines, 2015. Collection method: clinical testing. Allele origin: germline.

NM_006445.4(PRPF8):c.3333A>G (p.Gln1111=)

Gene: PRPF8 (pre-mRNA processing factor 8; minus strand). Cytogenetic location: 17p13.3.
Variant type: single nucleotide variant.
Coding change: c.3333A>G on transcript NM_006445.4 (MANE Select); coding-DNA position 3333, A replaced by G.
Protein change: p.Gln1111=; no amino-acid change (glutamine 1111 retained).
Molecular consequence: synonymous variant.
Genome position (GRCh38, 1-based): chr17:1,673,859, T>C on the plus strand (A>G on the coding strand, the complement: PRPF8 is on the minus strand). VCF-style: chr17-1673859-T-C. GRCh37 (hg19) VCF-style: chr17-1577153-T-C.
Other names: c.3333A>G (NM_006445.3).
Identifiers: ClinVar variation 1157034 (VCV001157034.9), dbSNP rs200478727, ClinGen allele CA8271897.
Genomic context (GRCh38, chr17:1,673,859, plus strand): 5'-CTTGTTATTATAGCCAACGATGTTTTCATTATTGGGGTCAGGGTGCTCTGTCAGGTAACG[T>C]TGAATCAGGTCCCGAGCCTCATCTGCTGTGAACCTACACCAGACCAGGTACACTGCTGAG-3'
Protein context (NP_006436.3, residues 1101-1121): FTADEARDLI[Gln1111=]RYLTEHPDPN